The following is an entry in ClinVar:

NM_172107.4(KCNQ2):c.1444A>T (p.Lys482Ter)

Gene: KCNQ2 (potassium voltage-gated channel subfamily Q member 2; minus strand). Cytogenetic location: 20q13.33.
Variant type: single nucleotide variant.
Coding change: c.1444A>T on transcript NM_172107.4 (MANE Select); coding-DNA position 1444, A replaced by T.
Protein change: p.Lys482Ter; replaces lysine 482 with a stop codon.
Molecular consequence: nonsense.
Genome position (GRCh38, 1-based): chr20:63,414,984, T>A on the plus strand (A>T on the coding strand, the complement: KCNQ2 is on the minus strand). VCF-style: chr20-63414984-T-A. GRCh37 (hg19) VCF-style: chr20-62046337-T-A.
Other names: c.1390A>T, p.Lys464Ter (NM_001382235.1, NM_172106.3); c.1360A>T, p.Lys454Ter (NM_004518.6); c.1354A>T, p.Lys452Ter (NM_172108.5); short protein forms K452*, K454*, K464*, K482*.
Identifiers: ClinVar variation 944466 (VCV000944466.8), dbSNP rs2080240053, ClinGen allele CA409646486.

ClinVar aggregate classification (germline): Pathogenic (1 of 4 stars; one submission).

Conditions:
Early-infantile DEE. Also called: Early infantile epileptic encephalopathy; Ohtahara syndrome; Early infantile epileptic encephalopathy with suppression bursts. Identifiers: Orphanet 1934, MedGen C0393706, MONDO:0800491.

Submission:

Labcorp Genetics (formerly Invitae), Labcorp
Classification: Pathogenic for Early-infantile DEE. Last evaluated: 2024-06-03. Review status: criteria provided, single submitter. Criteria: Invitae Variant Classification Sherloc (09022015). Collection method: clinical testing. Allele origin: germline.
Comment: This sequence change creates a premature translational stop signal (p.Lys482*) in the KCNQ2 gene. It is expected to result in an absent or disrupted protein product. Loss-of-function variants in KCNQ2 are known to be pathogenic (PMID: 14534157, 23692823, 27779742). This variant is not present in population databases (gnomAD no frequency). This variant has not been reported in the literature in individuals affected with KCNQ2-related conditions. ClinVar contains an entry for this variant (Variation ID: 944466). For these reasons, this variant has been classified as Pathogenic.

Literature cited by the submitters: PubMed 14534157; PubMed 23692823; PubMed 27779742.